The following is an entry in ClinVar:

ClinVar aggregate classification (germline): Conflicting classifications of pathogenicity. Review status: criteria provided, conflicting classifications (1 of 4 stars). 7 submissions from 7 submitters: Uncertain significance (6); Benign (1). Last evaluated 2026-01-27.

Conditions:
CDKN1B-related disorder. Also called: CDKN1B-related condition.
Hereditary cancer-predisposing syndrome. Also called: Tumor predisposition; Hereditary neoplastic syndrome; Neoplastic Syndromes, Hereditary; Hereditary Cancer Syndrome. Identifiers: Orphanet 140162, MedGen C0027672, MeSH D009386, MONDO:0015356.
Multiple endocrine neoplasia type 4. Also called: MULTIPLE ENDOCRINE NEOPLASIA, TYPE IV. Identifiers: Orphanet 276152, MedGen C1970712, MONDO:0012552, OMIM 610755.

Allele frequency attached by ClinVar (database versions not stated): gnomAD exomes 0.00003; gnomAD 0.00011; TOPMed 0.00011.
gnomAD v4.1: 57 of 1,614,054 alleles (0.0035%); highest among the groups gnomAD compares: African/African-American, 0.036%; no homozygotes.

Submissions (7):

Labcorp Genetics (formerly Invitae), Labcorp
Classification: Uncertain significance for Multiple endocrine neoplasia type 4. Last evaluated: 2026-01-27. Review status: criteria provided, single submitter. Criteria: Invitae Variant Classification Sherloc (09022015). Collection method: clinical testing. Allele origin: germline.
Comment: This sequence change replaces proline, which is neutral and non-polar, with leucine, which is neutral and non-polar, at codon 94 of the CDKN1B protein (p.Pro94Leu). This variant is present in population databases (rs757917082, gnomAD 0.03%). This missense change has been observed in individual(s) with primary hyperparathyroidism (PMID: 32386678). ClinVar contains an entry for this variant (Variation ID: 469015). An algorithm developed to predict the effect of missense changes on protein structure and function (PolyPhen-2) suggests that this variant is likely to be tolerated. In summary, the available evidence is currently insufficient to determine the role of this variant in disease. Therefore, it has been classified as a Variant of Uncertain Significance.

PreventionGenetics, part of Exact Sciences
Classification: Uncertain significance for CDKN1B-related condition. Last evaluated: 2026-01-04. Review status: criteria provided, single submitter. Criteria: ACMG Guidelines, 2015. Collection method: clinical testing. Allele origin: germline.
Comment: The CDKN1B c.281C>T variant is predicted to result in the amino acid substitution p.Pro94Leu. This variant has been reported in an individual with a complex personal cancer history that included prolactinemia, primary hyperparathyroidism associated with osteoporosis, parathyroid adenoma, breast cancer, ovarian serous cystadenoma, and multifocal micropapillary thyroid carcinoma (Chevalier et al. 2020. PubMed ID: 32386678). It has also been reported in an individual with hairy cell leukemia (Table 1, Dietrich et al. 2015. PubMed ID: 26065650). This variant is reported in 0.029% of alleles in individuals of African descent in gnomAD. It has conflicting interpretations of uncertain significance and benign in ClinVar (Variation ID: 469015). At this time, the clinical significance of this variant is uncertain due to the absence of conclusive functional and genetic evidence.

Quest Diagnostics Nichols Institute San Juan Capistrano
Classification: Uncertain significance. Last evaluated: 2025-10-29. Review status: criteria provided, single submitter. Criteria: Quest Diagnostics criteria. Collection method: clinical testing. Allele origin: unknown.
Comment: The CDKN1B c.281C>T (p.Pro94Leu) variant has been reported in individuals with multiple endocrine neoplasia type 4 (MEN4) (PMID: 32386678 (2020), 36520683 (2023)) and hairy cell leukemia (PMID: 26065650 (2015), 28801450 (2017)). The frequency of this variant in the general population (Genome Aggregation Database) is higher than would generally be expected for pathogenic variants in this gene. Analysis of this variant using bioinformatics tools for the prediction of the effect of amino acid changes on protein structure and function yielded predictions that this variant is benign. Based on the available information, we are unable to determine the clinical significance of this variant.

Fulgent Genetics
Classification: Uncertain significance for Multiple endocrine neoplasia type 4. Last evaluated: 2024-03-20. Review status: criteria provided, single submitter. Criteria: ACMG Guidelines, 2015. Collection method: clinical testing. Allele origin: germline.

Ambry Genetics
Classification: Benign for Hereditary cancer-predisposing syndrome. Last evaluated: 2022-06-20. Review status: criteria provided, single submitter. Criteria: Ambry Variant Classification Scheme 2023. Collection method: clinical testing. Allele origin: germline.

GeneDx
Classification: Uncertain significance. Last evaluated: 2022-03-30. Review status: criteria provided, single submitter. Criteria: GeneDx Variant Classification Process June 2021. Collection method: clinical testing. Allele origin: germline. Affected: yes.
Comment: Observed in a patient with MEN4 presenting with hyperprolactinemia without evidence of pituitary adenoma, primary hyperparathyroidism, and parathyroid adenoma (Chevalier et al., 2020); In silico analysis supports that this missense variant does not alter protein structure/function; This variant is associated with the following publications: (PMID: 32386678)

Sema4
Classification: Uncertain significance for Hereditary cancer-predisposing syndrome. Last evaluated: 2021-11-23. Review status: criteria provided, single submitter. Criteria: Sema4 Curation Guidelines. Collection method: curation. Allele origin: germline.
Comment: The CDKN1B c.281C>T (p.P94L) variant has been reported in heterozygosity in at least one individual with primary hyperparathyroidism and hyperprolactinemia (PMID: 32386678). It was observed in 7/24372 chromosomes of the African/African American subpopulation in the large and broad cohorts of the Genome Aggregation Database (PMID: 32461654). The variant has been reported in ClinVar (Variation ID 469015). Functional studies have not been performed, and in silico predictions of the variant's effect on protein function are inconclusive. The evidence is insufficient to meet ACMG/AMP criteria for classifying the variant as benign or pathogenic. Thus, the clinical significance of this variant is currently uncertain.

Literature cited by the submitters: PubMed 32386678 (cited by 4 submitters); PubMed 28801450 (cited by Quest Diagnostics Nichols Institute San Juan Capistrano and Ambry Genetics); PubMed 27997549 (cited by Quest Diagnostics Nichols Institute San Juan Capistrano and Ambry Genetics); PubMed 26065650 (cited by Quest Diagnostics Nichols Institute San Juan Capistrano and Ambry Genetics); PubMed 36520683 (cited by Quest Diagnostics Nichols Institute San Juan Capistrano); PubMed 35355569 (cited by Quest Diagnostics Nichols Institute San Juan Capistrano and Ambry Genetics); PubMed 28687353 (cited by Ambry Genetics).

NM_004064.5(CDKN1B):c.281C>T (p.Pro94Leu)

Gene: CDKN1B (cyclin dependent kinase inhibitor 1B; plus strand). Cytogenetic location: 12p13.1.
Variant type: single nucleotide variant.
Coding change: c.281C>T on transcript NM_004064.5 (MANE Select); coding-DNA position 281, C replaced by T.
Protein change: p.Pro94Leu; replaces proline 94 with leucine.
Molecular consequence: missense variant.
Genome position (GRCh38, 1-based): chr12:12,718,120, C>T. VCF-style: chr12-12718120-C-T. GRCh37 (hg19) VCF-style: chr12-12871054-C-T.
Other names: short protein forms P94L.
Identifiers: ClinVar variation 469015 (VCV000469015.22), dbSNP rs757917082, ClinGen allele CA6457445.